The following is an entry in ClinVar:

NM_001127671.2(LIFR):c.2336-3T>C

Gene: LIFR (LIF receptor subunit alpha; minus strand). Cytogenetic location: 5p13.1.
Variant type: single nucleotide variant.
Coding change: c.2336-3T>C on transcript NM_001127671.2 (MANE Select); 3 bases into the intron before coding-DNA position 2336, T replaced by C.
Molecular consequence: intron variant.
Genome position (GRCh38, 1-based): chr5:38,485,983, A>G on the plus strand (T>C on the coding strand, the complement: LIFR is on the minus strand). VCF-style: chr5-38485983-A-G. GRCh37 (hg19) VCF-style: chr5-38486085-A-G.
Other names: c.2336-3T>C (NM_002310.6, NM_001364298.2, NM_001364297.2 and 1 more transcripts).
Identifiers: ClinVar variation 1500411 (VCV001500411.4), dbSNP rs754392969, ClinGen allele CA3242686.

ClinVar aggregate classification (germline): Uncertain significance. Review status: criteria provided, single submitter (1 of 4 stars). 2 submissions from 2 submitters: Uncertain significance (1). 1 of the submissions does not count toward it. Last evaluated 2021-05-18.

Conditions:
Stuve-Wiedemann syndrome (STWS). Also called: Stüve-Wiedemann syndrome. Identifiers: Orphanet 3206, MedGen C0796176, MONDO:0031280.

Allele frequency attached by ClinVar (database versions not stated): gnomAD exomes below 0.00001; ExAC 0.00001.
gnomAD v4.1: 2 of 1,610,458 alleles (0.00012%); highest among the groups gnomAD compares: South Asian, 0.0011%; no homozygotes.

Submissions (2):

Labcorp Genetics (formerly Invitae), Labcorp
Classification: Uncertain significance. Last evaluated: 2021-05-18. Review status: criteria provided, single submitter. Criteria: Invitae Variant Classification Sherloc (09022015). Collection method: clinical testing. Allele origin: germline.
Comment: This sequence change falls in intron 16 of the LIFR gene. It does not directly change the encoded amino acid sequence of the LIFR protein. It affects a nucleotide within the consensus splice site of the intron. This variant is present in population databases (rs754392969, ExAC 0.006%). This variant has not been reported in the literature in individuals with LIFR-related conditions. Nucleotide substitutions within the consensus splice site are a relatively common cause of aberrant splicing (PMID: 17576681, 9536098). Algorithms developed to predict the effect of sequence changes on RNA splicing suggest that this variant is not likely to affect RNA splicing, but this prediction has not been confirmed by published transcriptional studies. In summary, the available evidence is currently insufficient to determine the role of this variant in disease. Therefore, it has been classified as a Variant of Uncertain Significance.

Natera, Inc.
Classification: Uncertain significance for Stuve-Wiedemann syndrome. Last evaluated: 2025-04-30. Review status: no assertion criteria provided. Collection method: clinical testing. Allele origin: germline. Not counted in ClinVar's aggregate classification.

Literature cited by the submitters: PubMed 17576681 (cited by Labcorp Genetics (formerly Invitae), Labcorp); PubMed 9536098 (cited by Labcorp Genetics (formerly Invitae), Labcorp).